The following is an entry in ClinVar:

NM_001042492.3(NF1):c.4811C>G (p.Pro1604Arg)

Gene: NF1 (neurofibromin 1; plus strand). Cytogenetic location: 17q11.2.
Variant type: single nucleotide variant.
Coding change: c.4811C>G on transcript NM_001042492.3 (MANE Select); coding-DNA position 4811, C replaced by G.
Protein change: p.Pro1604Arg; replaces proline 1604 with arginine.
Molecular consequence: missense variant.
Genome position (GRCh38, 1-based): chr17:31,265,315, C>G. VCF-style: chr17-31265315-C-G. GRCh37 (hg19) VCF-style: chr17-29592333-C-G.
Other names: c.4748C>G, p.Pro1583Arg (NM_000267.4); short protein forms P1604R, P1583R.
Identifiers: ClinVar variation 848494 (VCV000848494.7), dbSNP rs2067766742, ClinGen allele CA399001342.
Genomic context (GRCh38, chr17:31,265,315, plus strand): 5'-TCAAGGCTTTGAAAACGTTAAGTATTTTCTACCAAGCTGGGACTTCCAAAGCTGGGAATC[C>G]TATTTTTTATTATGTTGCACGGAGGTAAGAAATACTATGTTTTGGGTCTCTTAACAGAAT-3'
Protein context (NP_001035957.1, residues 1594-1614): YQAGTSKAGN[Pro1604Arg]IFYYVARRFK

ClinVar aggregate classification (germline): Uncertain significance. Review status: criteria provided, multiple submitters, no conflicts (2 of 4 stars). 2 submissions from 2 submitters: Uncertain significance (2). Last evaluated 2023-11-03.

Conditions:
Cardiovascular phenotype. Identifiers: MedGen CN230736.
Hereditary cancer-predisposing syndrome. Also called: Neoplastic Syndromes, Hereditary; Hereditary Cancer Syndrome; Hereditary neoplastic syndrome; Tumor predisposition. Identifiers: Orphanet 140162, MedGen C0027672, MeSH D009386, MONDO:0015356.
Neurofibromatosis, type 1 (NF1). Also called: Neurofibromatosis, type I; VON RECKLINGHAUSEN DISEASE; Peripheral type neurofibromatosis; NEUROFIBROMATOSIS, TYPE I, SOMATIC. Identifiers: Orphanet 636, MedGen C0027831, MONDO:0018975, OMIM 162200. Disease mechanism: loss of function.

Submissions (2):

Ambry Genetics
Classification: Uncertain significance for Cardiovascular phenotype; Hereditary cancer-predisposing syndrome. Last evaluated: 2023-11-03. Review status: criteria provided, single submitter. Criteria: Ambry Variant Classification Scheme 2023. Collection method: clinical testing. Allele origin: germline.
Comment: The p.P1583R variant (also known as c.4748C>G), located in coding exon 35 of the NF1 gene, results from a C to G substitution at nucleotide position 4748. The proline at codon 1583 is replaced by arginine, an amino acid with dissimilar properties. This amino acid position is conserved. In addition, this alteration is predicted to be deleterious by in silico analysis. Since supporting evidence is limited at this time, the clinical significance of this alteration remains unclear.

Labcorp Genetics (formerly Invitae), Labcorp
Classification: Uncertain significance for Neurofibromatosis, type 1. Last evaluated: 2019-02-03. Review status: criteria provided, single submitter. Criteria: Invitae Variant Classification Sherloc (09022015). Collection method: clinical testing. Allele origin: germline.
Comment: In summary, the available evidence is currently insufficient to determine the role of this variant in disease. Therefore, it has been classified as a Variant of Uncertain Significance. Algorithms developed to predict the effect of missense changes on protein structure and function are either unavailable or do not agree on the potential impact of this missense change (SIFT: "Tolerated"; PolyPhen-2: "Probably Damaging"; Align-GVGD: "Class C0"). This variant has not been reported in the literature in individuals with NF1-related conditions. This variant is not present in population databases (ExAC no frequency). This sequence change replaces proline with arginine at codon 1583 of the NF1 protein (p.Pro1583Arg). The proline residue is moderately conserved and there is a moderate physicochemical difference between proline and arginine.